The following is an entry in ClinVar:

ClinVar aggregate classification (germline): Benign. Review status: criteria provided, multiple submitters, no conflicts (2 of 4 stars). 10 submissions from 10 submitters: Benign (7). 3 of the submissions do not count toward it. Last evaluated 2026-09-08.

Conditions:
Fabry disease. Also called: GLA DEFICIENCY; HEREDITARY DYSTOPIC LIPIDOSIS; Fabry's disease; Angiokeratoma corporis diffusum; Ceramide trihexosidosis; ALPHA-GALACTOSIDASE A DEFICIENCY. Identifiers: Orphanet 324, MedGen C0002986, MONDO:0010526, OMIM 301500, HP:0001071. Disease mechanism: loss of function, Fabry disease is due to inactivating mutations in the X-linked GLA gene resulting in deficiency of the enzyme Alpha Galactosidase-A..

Allele frequency attached by ClinVar (database versions not stated): 1000 Genomes Project 30x 0.41270; gnomAD exomes 0.18709 and 0.24105; ExAC 0.25424; gnomAD 0.33112 and 0.33579; TOPMed 0.35775; ESP Exome Variant Server 0.36524; 1000 Genomes Project 0.40106.
gnomAD v4.1: 240,790 of 1,194,299 alleles (20%); highest among the groups gnomAD compares: African/African-American, 75%; 24,964 homozygotes.

Submissions (10):

Genomenon, Inc
Classification: Benign for Fabry disease. Last evaluated: 2026-09-08. Review status: criteria provided, single submitter. Criteria: Genomenon Sequence Variant Interpretation Standards - Updated. Collection method: curation. Allele origin: germline. Affected: no.
Comment: GLA c.1000-22C>T is an intronic variant located in intron 6. This variant is present at high allele frequency in population databases. We classify GLA c.1000-22C>T as a benign variant.

Genome-Nilou Lab
Classification: Benign for Fabry disease. Last evaluated: 2021-07-15. Review status: criteria provided, single submitter. Criteria: ACMG Guidelines, 2015. Collection method: clinical testing. Allele origin: germline. Affected: no.

Women's Health and Genetics/Laboratory Corporation of America, LabCorp
Classification: Benign. Last evaluated: 2020-10-16. Review status: criteria provided, single submitter. Criteria: LabCorp Variant Classification Summary - May 2015. Collection method: clinical testing. Allele origin: germline.
Comment: Variant summary: GLA c.1000-22C>T is located at a position not widely known to affect splicing. The variant allele was found at a frequency of 0.24 in 181209 control chromosomes in the gnomAD database, including 5568 homozygotes. The observed variant frequency is approximately 48.21 fold of the estimated maximal expected allele frequency for a pathogenic variant in GLA causing Fabry Disease phenotype (0.005), strongly suggesting that the variant is benign. To our knowledge, no occurrence of c.1000-22C>T in individuals affected with Fabry Disease and no experimental evidence demonstrating its impact on protein function have been reported. Two clinical diagnostic laboratories have submitted clinical-significance assessments for this variant to ClinVar after 2014 without evidence for independent evaluation. All laboratories classified the variant as benign/likely benign. Based on the evidence outlined above, the variant was classified as benign.

Eurofins Ntd Llc (ga)
Classification: Benign. Last evaluated: 2015-07-22. Review status: criteria provided, single submitter. Criteria: EGL Classification Definitions 2015. Collection method: clinical testing. Allele origin: germline. Observed: 31 variant alleles, 24 heterozygotes, 6 homozygotes, 1 hemizygote.

GeneDx
Classification: Benign. Last evaluated: 2015-03-03. Review status: criteria provided, single submitter. Criteria: GeneDx Variant Classification Process June 2021. Collection method: clinical testing. Allele origin: germline. Affected: yes.

Breakthrough Genomics
Classification: Benign. Review status: criteria provided, single submitter. Criteria: ACMG Guidelines, 2015. Collection method: not provided. Allele origin: germline. Inheritance: X-linked inheritance. Affected: yes.

PreventionGenetics, part of Exact Sciences
Classification: Benign. Review status: criteria provided, single submitter. Criteria: ACMG Guidelines, 2015. Collection method: clinical testing. Allele origin: germline.

Mayo Clinic Laboratories, Mayo Clinic
Classification: Benign. Last evaluated: 2015-10-23. Review status: no assertion criteria provided. Collection method: clinical testing. Allele origin: unknown. Not counted in ClinVar's aggregate classification.

Clinical Genetics DNA and cytogenetics Diagnostics Lab, Erasmus MC, Erasmus Medical Center
Classification: Benign. Review status: no assertion criteria provided. Collection method: clinical testing. Allele origin: germline. Affected: yes. Study: VKGL Data-share Consensus. Not counted in ClinVar's aggregate classification.

Joint Genome Diagnostic Labs from Nijmegen and Maastricht, Radboudumc and MUMC+
Classification: Benign. Review status: no assertion criteria provided. Collection method: clinical testing. Allele origin: germline. Affected: yes. Study: VKGL Data-share Consensus. Not counted in ClinVar's aggregate classification.

NM_000169.3(GLA):c.1000-22C>T

Genes: GLA (galactosidase alpha; minus strand), RPL36A-HNRNPH2 (RPL36A-HNRNPH2 readthrough; plus strand). Cytogenetic location: Xq22.1.
Variant type: single nucleotide variant.
Coding change: c.1000-22C>T on transcript NM_000169.3 (MANE Select); 22 bases into the intron before coding-DNA position 1000, C replaced by T.
Molecular consequence: intron variant.
Genome position (GRCh38, 1-based): chrX:101,398,121, G>A on the plus strand (C>T on the coding strand, the complement: GLA is on the minus strand). VCF-style: chrX-101398121-G-A. GRCh37 (hg19) VCF-style: chrX-100653109-G-A.
Other names: c.300+2664G>A (NM_001199973.2); c.177+6299G>A (NM_001199974.2); c.1123-22C>T (NM_001406747.1).
Identifiers: ClinVar variation 222112 (VCV000222112.19), dbSNP rs2071228, ClinGen allele CA029367.